The following is an entry in ClinVar:

ClinVar aggregate classification (germline): Uncertain significance (1 of 4 stars; one submission).

Conditions:
STING-associated vasculopathy with onset in infancy. Also called: Sting-associated vasculopathy, infantile-onset. Identifiers: Orphanet 425120, MedGen C4014722, MONDO:0014405, OMIM 615934.

gnomAD v4.1: 2 of 1,614,176 alleles (0.00012%); highest among the groups gnomAD compares: Non-Finnish European, 0.00017%; no homozygotes.

Submission:

Labcorp Genetics (formerly Invitae), Labcorp
Classification: Uncertain significance for STING-associated vasculopathy with onset in infancy. Last evaluated: 2025-05-19. Review status: criteria provided, single submitter. Criteria: Invitae Variant Classification Sherloc (09022015). Collection method: clinical testing. Allele origin: germline.
Comment: This sequence change replaces proline, which is neutral and non-polar, with leucine, which is neutral and non-polar, at codon 303 of the TMEM173 protein (p.Pro303Leu). This variant is not present in population databases (gnomAD no frequency). This variant has not been reported in the literature in individuals affected with TMEM173-related conditions. ClinVar contains an entry for this variant (Variation ID: 3657663). Invitae Evidence Modeling of protein sequence and biophysical properties (such as structural, functional, and spatial information, amino acid conservation, physicochemical variation, residue mobility, and thermodynamic stability) indicates that this missense variant is not expected to disrupt TMEM173 protein function with a negative predictive value of 80%. In summary, the available evidence is currently insufficient to determine the role of this variant in disease. Therefore, it has been classified as a Variant of Uncertain Significance.

NM_198282.4(STING1):c.908C>T (p.Pro303Leu)

Gene: STING1 (stimulator of interferon response cGAMP interactor 1; minus strand). Cytogenetic location: 5q31.2.
Variant type: single nucleotide variant.
Coding change: c.908C>T on transcript NM_198282.4 (MANE Select); coding-DNA position 908, C replaced by T.
Protein change: p.Pro303Leu; replaces proline 303 with leucine.
Molecular consequence: missense variant. On other transcripts: intron variant (1).
Genome position (GRCh38, 1-based): chr5:139,477,367, G>A on the plus strand (C>T on the coding strand, the complement: STING1 is on the minus strand). VCF-style: chr5-139477367-G-A. GRCh37 (hg19) VCF-style: chr5-138856952-G-A.
Other names: c.551C>T, p.Pro184Leu (NM_001367258.1); c.759+903C>T (NM_001301738.2); short protein forms P184L, P303L.
Identifiers: ClinVar variation 3657663 (VCV003657663.2).